The following is an entry in ClinVar:

ClinVar aggregate classification (germline): Uncertain significance (1 of 4 stars; one submission).

Submission:

GeneDx
Classification: Uncertain significance. Last evaluated: 2024-03-31. Review status: criteria provided, single submitter. Criteria: GeneDx Variant Classification Process June 2021. Collection method: clinical testing. Allele origin: germline. Affected: yes.
Comment: Not observed at significant frequency in large population cohorts (gnomAD); In silico analysis supports that this missense variant has a deleterious effect on protein structure/function; Has not been previously published as pathogenic or benign to our knowledge

NM_000168.6(GLI3):c.4458G>C (p.Gln1486His)

Gene: GLI3 (GLI family zinc finger 3; minus strand). Cytogenetic location: 7p14.1.
Variant type: single nucleotide variant.
Coding change: c.4458G>C on transcript NM_000168.6 (MANE Select); coding-DNA position 4458, G replaced by C.
Protein change: p.Gln1486His; replaces glutamine 1486 with histidine.
Molecular consequence: missense variant.
Genome position (GRCh38, 1-based): chr7:41,964,615, C>G on the plus strand (G>C on the coding strand, the complement: GLI3 is on the minus strand). VCF-style: chr7-41964615-C-G. GRCh37 (hg19) VCF-style: chr7-42004213-C-G.
Other names: short protein forms Q1486H.
Identifiers: ClinVar variation 3371437 (VCV003371437.1).